The following is an entry in ClinVar:

NM_001077621.2(VPS37D):c.394-8C>T

Gene: VPS37D (VPS37D subunit of ESCRT-I; plus strand). Cytogenetic location: 7q11.23.
Variant type: single nucleotide variant.
Coding change: c.394-8C>T on transcript NM_001077621.2 (MANE Select); 8 bases into the intron before coding-DNA position 394, C replaced by T.
Molecular consequence: intron variant.
Genome position (GRCh38, 1-based): chr7:73,671,006, C>T. VCF-style: chr7-73671006-C-T. GRCh37 (hg19) VCF-style: chr7-73085336-C-T.
Identifiers: ClinVar variation 3026179 (VCV003026179.22), dbSNP rs560530990, ClinGen allele CA4289749.
Genomic context (GRCh38, chr7:73,671,006, plus strand): 5'-AGGAGTGAGGACCAGTCCCCAGTCTGTGGTCGTGCCTCTCCCAAGCCTTCCCTTCCCTCC[C>T]GGCCCAGGAGCAGATGGAGCAGCTGCTGCTCGGGGAGCAAAGCCTGGAGGCCTTCCTGCC-3'

ClinVar aggregate classification (germline): Likely benign (1 of 4 stars; one submission).

Allele frequency attached by ClinVar (database versions not stated): ExAC 0.00004; TOPMed 0.00006; gnomAD 0.00009; 1000 Genomes Project 0.00020; 1000 Genomes Project 30x 0.00031.

Submission:

CeGaT Center for Human Genetics Tuebingen
Classification: Likely benign. Last evaluated: 2024-02-01. Review status: criteria provided, single submitter. Criteria: CeGaT Center For Human Genetics Tuebingen Variant Classification Criteria Version 2. Collection method: clinical testing. Allele origin: germline. Affected: yes. Observed: 1 variant allele.
Comment: VPS37D: BP4